The following is an entry in ClinVar:

NM_001388308.1(KIF12):c.1698-1G>C

Gene: KIF12 (kinesin family member 12; minus strand). Cytogenetic location: 9q32.
Variant type: single nucleotide variant.
Coding change: c.1698-1G>C on transcript NM_001388308.1 (MANE Select); the canonical splice acceptor site of the intron before coding-DNA position 1698, G replaced by C.
Molecular consequence: splice acceptor variant.
Genome position (GRCh38, 1-based): chr9:114,092,452, C>G on the plus strand (G>C on the coding strand, the complement: KIF12 is on the minus strand). VCF-style: chr9-114092452-C-G. GRCh37 (hg19) VCF-style: chr9-116854732-C-G.
Other names: c.1284-1G>C (NM_138424.2).
Identifiers: ClinVar variation 2835798 (VCV002835798.3), dbSNP rs1219881581, ClinGen allele CA374591960.

ClinVar aggregate classification (germline): Likely pathogenic (1 of 4 stars; one submission).

gnomAD v4.1: 2 of 1,613,748 alleles (0.00012%); highest among the groups gnomAD compares: Admixed American, 0.0033%; no homozygotes.

Submission:

Labcorp Genetics (formerly Invitae), Labcorp
Classification: Likely pathogenic. Last evaluated: 2024-05-15. Review status: criteria provided, single submitter. Criteria: Invitae Variant Classification Sherloc (09022015). Collection method: clinical testing. Allele origin: germline.
Comment: This sequence change affects an acceptor splice site in intron 14 of the KIF12 gene. It is expected to disrupt RNA splicing. Variants that disrupt the donor or acceptor splice site typically lead to a loss of protein function (PMID: 16199547), and loss-of-function variants in KIF12 are known to be pathogenic (PMID: 30250217, 30976738). This variant is present in population databases (no rsID available, gnomAD 0.006%). This variant has not been reported in the literature in individuals affected with KIF12-related conditions. Algorithms developed to predict the effect of sequence changes on RNA splicing suggest that this variant may disrupt the consensus splice site. In summary, the currently available evidence indicates that the variant is pathogenic, but additional data are needed to prove that conclusively. Therefore, this variant has been classified as Likely Pathogenic.

Literature cited by the submitters: PubMed 16199547; PubMed 30250217; PubMed 30976738.